The following is an entry in ClinVar:

NM_001005242.3(PKP2):c.92C>A (p.Ala31Glu)

Gene: PKP2 (plakophilin 2; minus strand). Cytogenetic location: 12p11.21.
Variant type: single nucleotide variant.
Coding change: c.92C>A on transcript NM_001005242.3 (MANE Select); coding-DNA position 92, C replaced by A.
Protein change: p.Ala31Glu; replaces alanine 31 with glutamic acid.
Molecular consequence: missense variant. On other transcripts: 5 prime UTR variant (4).
Genome position (GRCh38, 1-based): chr12:32,896,640, G>T on the plus strand (C>A on the coding strand, the complement: PKP2 is on the minus strand). VCF-style: chr12-32896640-G-T. GRCh37 (hg19) VCF-style: chr12-33049574-G-T.
Other names: c.92C>A, p.Ala31Glu (NM_001407155.1, NM_001407156.1, NM_001407157.1 and 2 more transcripts); c.-735C>A (NM_001407158.1, NM_001407162.1); c.-499C>A (NM_001407159.1, NM_001407160.1); short protein forms A31E.
Identifiers: ClinVar variation 3419520 (VCV003419520.1).

ClinVar aggregate classification (germline): Uncertain significance (1 of 4 stars; one submission).

Conditions:
Cardiovascular phenotype. Identifiers: MedGen CN230736.

Submission:

Ambry Genetics
Classification: Uncertain significance for Cardiovascular phenotype. Last evaluated: 2024-10-14. Review status: criteria provided, single submitter. Criteria: Ambry Variant Classification Scheme 2023. Collection method: clinical testing. Allele origin: germline.
Comment: The p.A31E variant (also known as c.92C>A), located in coding exon 1 of the PKP2 gene, results from a C to A substitution at nucleotide position 92. The alanine at codon 31 is replaced by glutamic acid, an amino acid with dissimilar properties. This amino acid position is conserved. In addition, the in silico prediction for this alteration is inconclusive. Based on the available evidence, the clinical significance of this variant remains unclear.